The following is an entry in ClinVar:

ClinVar aggregate classification (germline): Uncertain significance (1 of 4 stars; one submission).

Submission:

Labcorp Genetics (formerly Invitae), Labcorp
Classification: Uncertain significance. Last evaluated: 2022-05-24. Review status: criteria provided, single submitter. Criteria: Invitae Variant Classification Sherloc (09022015). Collection method: clinical testing. Allele origin: germline.
Comment: In summary, the available evidence is currently insufficient to determine the role of this variant in disease. Therefore, it has been classified as a Variant of Uncertain Significance. Algorithms developed to predict the effect of missense changes on protein structure and function are either unavailable or do not agree on the potential impact of this missense change (SIFT: "Deleterious"; PolyPhen-2: "Not Available"; Align-GVGD: "Class C0"). This variant has not been reported in the literature in individuals affected with DVL1-related conditions. This variant is not present in population databases (gnomAD no frequency). This sequence change replaces leucine, which is neutral and non-polar, with serine, which is neutral and polar, at codon 648 of the DVL1 protein (p.Leu648Ser).

NM_001330311.2(DVL1):c.2018T>C (p.Leu673Ser)

Gene: DVL1 (dishevelled segment polarity protein 1; minus strand). Cytogenetic location: 1p36.33.
Variant type: single nucleotide variant.
Coding change: c.2018T>C on transcript NM_001330311.2 (MANE Select); coding-DNA position 2018, T replaced by C.
Protein change: p.Leu673Ser; replaces leucine 673 with serine.
Molecular consequence: missense variant.
Genome position (GRCh38, 1-based): chr1:1,336,212, A>G on the plus strand (T>C on the coding strand, the complement: DVL1 is on the minus strand). VCF-style: chr1-1336212-A-G. GRCh37 (hg19) VCF-style: chr1-1271592-A-G.
Other names: c.1943T>C, p.Leu648Ser (NM_004421.3); short protein forms L648S, L673S.
Identifiers: ClinVar variation 1998197 (VCV001998197.4), dbSNP rs2523127586, ClinGen allele CA337853895.